The following is an entry in ClinVar:

NM_001142800.2(EYS):c.5748del (p.Tyr1917fs)

Gene: EYS (EGF-like photoreceptor maintenance factor; minus strand). Cytogenetic location: 6q12.
Variant type: Deletion.
Coding change: c.5748del on transcript NM_001142800.2 (MANE Select); coding-DNA position 5748, one base deleted (C; older notation c.5748delC).
Protein change: p.Tyr1917fs; shifts the reading frame from tyrosine 1917.
Molecular consequence: frameshift variant.
Genome position (GRCh38, 1-based): chr6:64,439,249, G deleted on the plus strand (C on the coding strand, the reverse complement: EYS is on the minus strand); the first of 2 consecutive G bases (chr6:64,439,249-64,439,250); deleting either gives the same sequence. VCF-style (leftmost placement, unchanged base first): chr6-64439248-AG-A. GRCh37 (hg19) VCF-style: chr6-65149141-AG-A.
Other names: c.5748del, p.Tyr1917fs (NM_001292009.2); short protein forms Y1917fs.
Identifiers: ClinVar variation 862857 (VCV000862857.7), dbSNP rs1774855104, ClinGen allele CA916082864.

ClinVar aggregate classification (germline): Pathogenic (1 of 4 stars; one submission).

Submission:

Labcorp Genetics (formerly Invitae), Labcorp
Classification: Pathogenic. Last evaluated: 2019-12-06. Review status: criteria provided, single submitter. Criteria: Invitae Variant Classification Sherloc (09022015). Collection method: clinical testing. Allele origin: germline.
Comment: This sequence change creates a premature translational stop signal (p.Tyr1917Metfs*13) in the EYS gene. It is expected to result in an absent or disrupted protein product. For these reasons, this variant has been classified as Pathogenic. Loss-of-function variants in EYS are known to be pathogenic (PMID: 18836446, 20333770). This variant has not been reported in the literature in individuals with EYS-related conditions. This variant is not present in population databases (ExAC no frequency).

Literature cited by the submitters: PubMed 18836446; PubMed 20333770.